The following is an entry in ClinVar:

NM_001031725.6(DDX59):c.696G>A (p.Gln232=)

Gene: DDX59 (DEAD-box helicase 59; minus strand). Cytogenetic location: 1q32.1.
Variant type: single nucleotide variant.
Coding change: c.696G>A on transcript NM_001031725.6 (MANE Select); coding-DNA position 696, G replaced by A.
Protein change: p.Gln232=; no amino-acid change (glutamine 232 retained).
Molecular consequence: synonymous variant.
Genome position (GRCh38, 1-based): chr1:200,666,045, C>T on the plus strand (G>A on the coding strand, the complement: DDX59 is on the minus strand). VCF-style: chr1-200666045-C-T. GRCh37 (hg19) VCF-style: chr1-200635173-C-T.
Other names: c.696G>A, p.Gln232= (NM_001320181.2, NM_001320182.1, NM_001349799.3 and 5 more transcripts).
Identifiers: ClinVar variation 2639727 (VCV002639727.24), dbSNP rs562456844, ClinGen allele CA1318454.

ClinVar aggregate classification (germline): Likely benign (1 of 4 stars; one submission).

Allele frequency attached by ClinVar (database versions not stated): ExAC 0.00003.
gnomAD v4.1: 87 of 1,614,092 alleles (0.0054%); highest among the groups gnomAD compares: Non-Finnish European, 0.0069%; no homozygotes.

Submission:

CeGaT Center for Human Genetics Tuebingen
Classification: Likely benign. Last evaluated: 2023-01-01. Review status: criteria provided, single submitter. Criteria: CeGaT Center For Human Genetics Tuebingen Variant Classification Criteria Version 2. Collection method: clinical testing. Allele origin: germline. Affected: yes. Observed: 1 variant allele.
Comment: DDX59: BP4, BP7